The following is an entry in ClinVar:

NM_152383.5(DIS3L2):c.2071C>T (p.Leu691Phe)

Gene: DIS3L2 (DIS3 like 3'-5' exoribonuclease 2; plus strand). Cytogenetic location: 2q37.1.
Variant type: single nucleotide variant.
Coding change: c.2071C>T on transcript NM_152383.5 (MANE Select); coding-DNA position 2071, C replaced by T.
Protein change: p.Leu691Phe; replaces leucine 691 with phenylalanine.
Molecular consequence: missense variant. On other transcripts: non-coding transcript variant (2), intron variant (1).
Genome position (GRCh38, 1-based): chr2:232,333,900, C>T. VCF-style: chr2-232333900-C-T. GRCh37 (hg19) VCF-style: chr2-233198610-C-T.
Other names: c.1582-9445C>T (NM_001257281.2); short protein forms L691F.
Identifiers: ClinVar variation 1518346 (VCV001518346.8), dbSNP rs2106353532, ClinGen allele CA350977416.

ClinVar aggregate classification (germline): Uncertain significance (1 of 4 stars; one submission).

Conditions:
Perlman syndrome (PRLMNS). Identifiers: Orphanet 2849, MedGen C0796113, MONDO:0009965, OMIM 267000.

Submission:

Labcorp Genetics (formerly Invitae), Labcorp
Classification: Uncertain significance for Perlman syndrome. Last evaluated: 2021-01-22. Review status: criteria provided, single submitter. Criteria: Invitae Variant Classification Sherloc (09022015). Collection method: clinical testing. Allele origin: germline.
Comment: This sequence change replaces leucine with phenylalanine at codon 691 of the DIS3L2 protein (p.Leu691Phe). The leucine residue is highly conserved and there is a small physicochemical difference between leucine and phenylalanine. This variant is not present in population databases (ExAC no frequency). This variant has not been reported in the literature in individuals with DIS3L2-related conditions. Algorithms developed to predict the effect of missense changes on protein structure and function are either unavailable or do not agree on the potential impact of this missense change (SIFT: "Deleterious"; PolyPhen-2: "Probably Damaging"; Align-GVGD: "Class C15"). In summary, the available evidence is currently insufficient to determine the role of this variant in disease. Therefore, it has been classified as a Variant of Uncertain Significance.